The following is an entry in ClinVar:

ClinVar aggregate classification (germline): Benign (3 of 4 stars; one submission).

Conditions:
Breast-ovarian cancer, familial, susceptibility to, 2 (BROVCA2). Also called: BRCA2 Hereditary Breast and Ovarian Cancer. Identifiers: Orphanet 145, MedGen C2675520, MONDO:0012933, OMIM 612555. Disease mechanism: loss of function.

Submission:

Evidence-based Network for the Interpretation of Germline Mutant Alleles (ENIGMA)
Classification: Benign for Breast-ovarian cancer, familial, susceptibility to, 2. Last evaluated: 2016-09-28. Review status: reviewed by expert panel. Criteria: ENIGMA BRCA1/2 Classification Criteria (2015). Collection method: curation. Allele origin: germline.
Comment: Class 1 not pathogenic based on frequency >1% in an outbred sampleset. Frequency 0.6083 (European), 0.5424 (African), 0.536 (Admixed American/Latino), 0.3363 (East Asian), 0.502 (South Asian), derived from 1000 genomes (2013-05-02).

NM_000059.4(BRCA2):c.9257-6010dup

Gene: BRCA2 (BRCA2 DNA repair associated; plus strand). Cytogenetic location: 13q13.1.
Variant type: Duplication.
Coding change: c.9257-6010dup on transcript NM_000059.4 (MANE Select); 6010 bases into the intron before coding-DNA position 9257, one base duplicated (T; older notation c.9257-6010dupT).
Molecular consequence: intron variant.
Genome position (GRCh38, 1-based): chr13:32,388,679, T duplicated; the last of 13 consecutive T bases (chr13:32,388,667-32,388,679); duplicating any one gives the same sequence. VCF-style (leftmost placement, unchanged base first): chr13-32388666-C-CT. GRCh37 (hg19) VCF-style: chr13-32962803-C-CT.
Identifiers: ClinVar variation 264891 (VCV000264891.1), dbSNP rs66813254, ClinGen allele CA10588169.
Genomic context (GRCh38, chr13:32,388,666, plus strand): 5'-ATTTAAGATAGGCTAGGCTAACCTCTATGCTCAGTAGGTTAAATGTATTAAATGCATTTT[C>CT]TTTTTTTTTTTTTGAGATTGAAAGTCACATTTATTGCCACGTGAAGGAAAGCCAATTAAG-3'